The following is an entry in ClinVar:

ClinVar aggregate classification (germline): Uncertain significance (1 of 4 stars; one submission).

Conditions:
Intellectual developmental disorder, X-linked, syndromic, Raymond type. Also called: Syndromic X-linked intellectual disability Raymond type. Identifiers: MedGen C3275406, MONDO:0010427, OMIM 300799.

gnomAD v4.1: 5 of 1,208,780 alleles (0.00041%); highest among the groups gnomAD compares: South Asian, 0.0088%; no homozygotes.

Submission:

Labcorp Genetics (formerly Invitae), Labcorp
Classification: Uncertain significance for Intellectual developmental disorder, X-linked, syndromic, Raymond type. Last evaluated: 2025-07-07. Review status: criteria provided, single submitter. Criteria: Invitae Variant Classification Sherloc (09022015). Collection method: clinical testing. Allele origin: germline.
Comment: This sequence change replaces leucine, which is neutral and non-polar, with phenylalanine, which is neutral and non-polar, at codon 252 of the ZDHHC9 protein (p.Leu252Phe). This variant is present in population databases (rs770146294, gnomAD 0.005%), including at least one homozygous and/or hemizygous individual. This variant has not been reported in the literature in individuals affected with ZDHHC9-related conditions. ClinVar contains an entry for this variant (Variation ID: 3648446). Invitae Evidence Modeling of protein sequence and biophysical properties (such as structural, functional, and spatial information, amino acid conservation, physicochemical variation, residue mobility, and thermodynamic stability) indicates that this missense variant is not expected to disrupt ZDHHC9 protein function with a negative predictive value of 80%. In summary, the available evidence is currently insufficient to determine the role of this variant in disease. Therefore, it has been classified as a Variant of Uncertain Significance.

NM_016032.4(ZDHHC9):c.754C>T (p.Leu252Phe)

Gene: ZDHHC9 (zDHHC palmitoyltransferase 9; minus strand). Cytogenetic location: Xq26.1.
Variant type: single nucleotide variant.
Coding change: c.754C>T on transcript NM_016032.4 (MANE Select); coding-DNA position 754, C replaced by T.
Protein change: p.Leu252Phe; replaces leucine 252 with phenylalanine.
Molecular consequence: missense variant.
Genome position (GRCh38, 1-based): chrX:129,812,741, G>A on the plus strand (C>T on the coding strand, the complement: ZDHHC9 is on the minus strand). VCF-style: chrX-129812741-G-A. GRCh37 (hg19) VCF-style: chrX-128946717-G-A.
Other names: c.754C>T, p.Leu252Phe (NM_001008222.3); short protein forms L252F.
Identifiers: ClinVar variation 3648446 (VCV003648446.2).
Genomic context (GRCh38, chrX:129,812,741, plus strand): 5'-AAGAATATGTGGTGAGGAGAAGAGAAAGTTGACTCACGTCTTCATTGGTTGTCTGGTTGA[G>A]AGCCACGAGGAAAGTATGAAATCCAGTCAGTCCCACGACGGACCAGAGTGTAAAGAAGCA-3'
Protein context (NP_057116.2, residues 242-262): LTGFHTFLVA[Leu252Phe]NQTTNEDIKG